The following is an entry in ClinVar:

ClinVar aggregate classification (germline): Pathogenic (1 of 4 stars; one submission).

Submission:

Baylor Genetics
Classification: Pathogenic. Last evaluated: 2018-11-01. Review status: criteria provided, single submitter. Criteria: ACMG CNV Guidelines, 2011. Collection method: clinical testing. Allele origin: paternal. Affected: yes. Observed: 1 variant allele.
Comment: Duplications involving this region have been previously reported in patients with split hand/foot deformity (PMID: 23790188)

GRCh37/hg19 17p13.3(chr17:1012244-1218113)

Genes: ABR (ABR activator of RhoGEF and GTPase; minus strand), BHLHA9 (basic helix-loop-helix family member a9; plus strand), TRARG1 (trafficking regulator of GLUT4 (SLC2A4) 1; plus strand). Cytogenetic location: 17p13.3.
Variant type: copy number gain.
Identifiers: ClinVar variation 625579 (VCV000625579.1).